The following is an entry in ClinVar:

ClinVar aggregate classification (germline): Uncertain significance (1 of 4 stars; one submission).

Submission:

CeGaT Center for Human Genetics Tuebingen
Classification: Uncertain significance. Last evaluated: 2025-07-01. Review status: criteria provided, single submitter. Criteria: CeGaT Center For Human Genetics Tuebingen Variant Classification Criteria Version 2. Collection method: clinical testing. Allele origin: germline. Affected: yes. Observed: 1 variant allele.
Comment: ARID5B: PM2, BP4

NM_032199.3(ARID5B):c.3278C>T (p.Ser1093Phe)

Gene: ARID5B (AT-rich interaction domain 5B; plus strand). Cytogenetic location: 10q21.2.
Variant type: single nucleotide variant.
Coding change: c.3278C>T on transcript NM_032199.3 (MANE Select); coding-DNA position 3278, C replaced by T.
Protein change: p.Ser1093Phe; replaces serine 1093 with phenylalanine.
Molecular consequence: missense variant.
Genome position (GRCh38, 1-based): chr10:62,092,741, C>T. VCF-style: chr10-62092741-C-T. GRCh37 (hg19) VCF-style: chr10-63852500-C-T.
Other names: c.2549C>T, p.Ser850Phe (NM_001244638.2); short protein forms S1093F, S850F.
Identifiers: ClinVar variation 4084723 (VCV004084723.8).